The following is an entry in ClinVar:

ClinVar aggregate classification (germline): Uncertain significance. Review status: criteria provided, multiple submitters, no conflicts (2 of 4 stars). 3 submissions from 3 submitters: Uncertain significance (3). Last evaluated 2026-01-02.

Conditions:
Hereditary cancer-predisposing syndrome. Also called: Hereditary Cancer Syndrome; Tumor predisposition; Neoplastic Syndromes, Hereditary; Hereditary neoplastic syndrome. Identifiers: Orphanet 140162, MedGen C0027672, MeSH D009386, MONDO:0015356.
Gastrointestinal stromal tumor. Also called: Gastrointestinal stromal tumor, somatic; Gastrointestinal stroma tumor. Identifiers: Orphanet 44890, MedGen C0238198, MeSH D046152, MONDO:0011719, OMIM 606764, HP:0100723.

Allele frequency attached by ClinVar (database versions not stated): gnomAD 0.00001; gnomAD exomes 0.00001 and 0.00002; TOPMed 0.00001; ExAC 0.00002.
gnomAD v4.1: 12 of 1,613,896 alleles (0.00074%); highest among the groups gnomAD compares: Admixed American, 0.0033%; no homozygotes.

Submissions (3):

Labcorp Genetics (formerly Invitae), Labcorp
Classification: Uncertain significance for Gastrointestinal stromal tumor. Last evaluated: 2026-01-02. Review status: criteria provided, single submitter. Criteria: Invitae Variant Classification Sherloc (09022015). Collection method: clinical testing. Allele origin: germline.
Comment: This sequence change replaces threonine, which is neutral and polar, with methionine, which is neutral and non-polar, at codon 488 of the KIT protein (p.Thr488Met). This variant is present in population databases (rs56225530, gnomAD 0.01%). This variant has not been reported in the literature in individuals affected with KIT-related conditions. ClinVar contains an entry for this variant (Variation ID: 574653). An algorithm developed to predict the effect of missense changes on protein structure and function (PolyPhen-2) suggests that this variant is likely to be disruptive. In summary, the available evidence is currently insufficient to determine the role of this variant in disease. Therefore, it has been classified as a Variant of Uncertain Significance.

Ambry Genetics
Classification: Uncertain significance for Hereditary cancer-predisposing syndrome. Last evaluated: 2025-10-01. Review status: criteria provided, single submitter. Criteria: Ambry Variant Classification Scheme 2023. Collection method: clinical testing. Allele origin: germline.
Comment: The p.T488M variant (also known as c.1463C>T), located in coding exon 9 of the KIT gene, results from a C to T substitution at nucleotide position 1463. The threonine at codon 488 is replaced by methionine, an amino acid with similar properties. This amino acid position is conserved. In addition, the in silico prediction for this alteration is inconclusive. Based on the available evidence, the clinical significance of this variant remains unclear.

Baylor Genetics
Classification: Uncertain significance for Gastrointestinal stromal tumor. Last evaluated: 2023-11-27. Review status: criteria provided, single submitter. Criteria: ACMG Guidelines, 2015. Collection method: clinical testing. Allele origin: unknown.

NM_000222.3(KIT):c.1463C>T (p.Thr488Met)

Gene: KIT (KIT proto-oncogene, receptor tyrosine kinase; plus strand). Cytogenetic location: 4q12.
Variant type: single nucleotide variant.
Coding change: c.1463C>T on transcript NM_000222.3 (MANE Select); coding-DNA position 1463, C replaced by T.
Protein change: p.Thr488Met; replaces threonine 488 with methionine.
Molecular consequence: missense variant.
Genome position (GRCh38, 1-based): chr4:54,725,973, C>T. VCF-style: chr4-54725973-C-T. GRCh37 (hg19) VCF-style: chr4-55592139-C-T.
Other names: c.1463C>T, p.Thr488Met (NM_001093772.2, NM_001385285.1, NM_001385286.1); c.1466C>T, p.Thr489Met (NM_001385284.1, NM_001385288.1, NM_001385290.1 and 1 more transcripts); short protein forms T488M, T489M.
Identifiers: ClinVar variation 574653 (VCV000574653.16), dbSNP rs56225530, ClinGen allele CA2923492.